The following is an entry in ClinVar:

ClinVar aggregate classification (germline): Pathogenic. Review status: criteria provided, multiple submitters, no conflicts (2 of 4 stars). 4 submissions from 4 submitters: Pathogenic (4). Last evaluated 2024-10-15.

Conditions:
Hereditary cancer-predisposing syndrome. Also called: Neoplastic Syndromes, Hereditary; Tumor predisposition; Hereditary Cancer Syndrome; Hereditary neoplastic syndrome. Identifiers: Orphanet 140162, MedGen C0027672, MeSH D009386, MONDO:0015356.
Lynch syndrome 4 (LYNCH4). Also called: Colorectal cancer, hereditary nonpolyposis, type 4; Hereditary non-polyposis colorectal cancer, type 4. Identifiers: Orphanet 144, MedGen C1838333, MONDO:0013699, OMIM 614337. Disease mechanism: loss of function.
Hereditary nonpolyposis colorectal neoplasms. Identifiers: MedGen C0009405, MeSH D003123.

Submissions (4):

Ambry Genetics
Classification: Pathogenic for Hereditary cancer-predisposing syndrome. Last evaluated: 2024-10-15. Review status: criteria provided, single submitter. Criteria: Ambry Variant Classification Scheme 2023. Collection method: clinical testing. Allele origin: germline.
Comment: The c.172_173delCT pathogenic mutation, located in coding exon 3 of the PMS2 gene, results from a deletion of two nucleotides at nucleotide positions 172 to 173, causing a translational frameshift with a predicted alternate stop codon (p.L58*). This alteration is expected to result in loss of function by premature protein truncation or nonsense-mediated mRNA decay. As such, this alteration is interpreted as a disease-causing mutation.

Myriad Genetics, Inc.
Classification: Pathogenic for Lynch syndrome 4. Last evaluated: 2024-06-25. Review status: criteria provided, single submitter. Criteria: Myriad Autosomal Dominant, Autosomal Recessive and X-Linked Classification Criteria (2023). Collection method: clinical testing. Allele origin: unknown.
Comment: This variant is considered pathogenic. This variant creates a termination codon and is predicted to result in premature protein truncation.

Labcorp Genetics (formerly Invitae), Labcorp
Classification: Pathogenic for Hereditary nonpolyposis colorectal neoplasms. Last evaluated: 2020-01-20. Review status: criteria provided, single submitter. Criteria: Invitae Variant Classification Sherloc (09022015). Collection method: clinical testing. Allele origin: germline.
Comment: This sequence change creates a premature translational stop signal (p.Leu58*) in the PMS2 gene. It is expected to result in an absent or disrupted protein product. This variant is not present in population databases (ExAC no frequency). For these reasons, this variant has been classified as Pathogenic. Loss-of-function variants in PMS2 are known to be pathogenic (PMID: 21376568, 24362816). Algorithms developed to predict the effect of sequence changes on RNA splicing suggest that this variant may create or strengthen a splice site, but this prediction has not been confirmed by published transcriptional studies. This variant has not been reported in the literature in individuals with PMS2-related conditions.

Color Diagnostics, LLC DBA Color Health
Classification: Pathogenic for Hereditary cancer-predisposing syndrome. Last evaluated: 2020-01-15. Review status: criteria provided, single submitter. Criteria: ACMG Guidelines, 2015. Collection method: clinical testing. Allele origin: germline.
Comment: This variant deletes 2 nucleotides in exon 3 of the PMS2 gene, creating a frameshift and premature translation stop signal. This variant is expected to result in an absent or non-functional protein product. This variant has not been identified in the general population by the Genome Aggregation Database (gnomAD). Loss of PMS2 function is a known mechanism of disease. Based on the available evidence, this variant is classified as Pathogenic.

Literature cited by the submitters: PubMed 21376568 (cited by Labcorp Genetics (formerly Invitae), Labcorp); PubMed 24362816 (cited by Labcorp Genetics (formerly Invitae), Labcorp).

NM_000535.7(PMS2):c.172_173del (p.Lys57_Leu58insTer)

Gene: PMS2 (PMS1 homolog 2, mismatch repair system component; minus strand). Cytogenetic location: 7p22.1.
Variant type: Deletion.
Coding change: c.172_173del on transcript NM_000535.7 (MANE Select); coding-DNA positions 172 to 173, 2 bases deleted (CT; older notation c.172_173delCT).
Protein change: p.Lys57_Leu58insTer.
Molecular consequence: nonsense. On other transcripts: non-coding transcript variant (1), 5 prime UTR variant (11).
Genome position (GRCh38, 1-based): chr7:6,004,049-6,004,050, AG deleted on the plus strand (CT on the coding strand, the reverse complement: PMS2 is on the minus strand). VCF-style (leftmost placement, unchanged base first): chr7-6004048-AAG-A. GRCh37 (hg19) VCF-style: chr7-6043679-AAG-A.
Other names: c.-234_-233del (NM_001322003.2, NM_001322004.2, NM_001322005.2 and 3 more transcripts); c.172_173del, p.Lys57_Leu58insTer (NM_001322006.2, NM_001322014.2); c.-44_-43del (NM_001322007.2, NM_001322008.2); c.-713_-712del (NM_001322011.2, NM_001322012.2); c.-313_-312del (NM_001322015.2); c.172_173delCT (NM_000535.5).
Identifiers: ClinVar variation 924343 (VCV000924343.12), dbSNP rs1785429855, ClinGen allele CA1139659971.